The following is an entry in ClinVar:

NM_004260.4(RECQL4):c.2513A>C (p.Asp838Ala)

Gene: RECQL4 (RecQ like helicase 4; minus strand). Cytogenetic location: 8q24.3.
Variant type: single nucleotide variant.
Coding change: c.2513A>C on transcript NM_004260.4 (MANE Select); coding-DNA position 2513, A replaced by C.
Protein change: p.Asp838Ala; replaces aspartic acid 838 with alanine.
Molecular consequence: missense variant.
Genome position (GRCh38, 1-based): chr8:144,513,089, T>G on the plus strand (A>C on the coding strand, the complement: RECQL4 is on the minus strand). VCF-style: chr8-144513089-T-G. GRCh37 (hg19) VCF-style: chr8-145738472-T-G.
Other names: short protein forms D838A.
Identifiers: ClinVar variation 528923 (VCV000528923.11), dbSNP rs1317677692, ClinGen allele CA372677280.
Genomic context (GRCh38, chr8:144,513,089, plus strand): 5'-GTGCAGGTGCAGGTGCAGGCTGGGAACACGCGCTGTACCAGCCTCTTCACAGCCAGGAAG[T>G]CCGTGCTGTCGGCGTGCACATGTCTGCGCAGCTCTCGCAGGTCTTCGCCCTGCAGGGCAA-3'
Protein context (NP_004251.4, residues 828-848): LRRHVHADST[Asp838Ala]FLAVKRLVQR

ClinVar aggregate classification (germline): Uncertain significance. Review status: criteria provided, multiple submitters, no conflicts (2 of 4 stars). 4 submissions from 4 submitters: Uncertain significance (4). Last evaluated 2025-10-20.

Conditions:
RECQL4-related disorder. Also called: RECQL4-related condition; RECQL4-related disorders.
Baller-Gerold syndrome (BGS). Also called: CRANIOSYNOSTOSIS WITH RADIAL DEFECTS. Identifiers: Orphanet 1225, MedGen C0265308, MONDO:0009039, OMIM 218600.
Rapadilino syndrome. Identifiers: Orphanet 3021, MedGen C1849453, MONDO:0009955, OMIM 266280.
Rothmund-Thomson syndrome type 2 (RTS2). Identifiers: Orphanet 221016, MedGen C5203410, MONDO:0016369, OMIM 268400.

Allele frequency attached by ClinVar (database versions not stated): gnomAD 0.00001; TOPMed 0.00001; gnomAD exomes 0.00004.
gnomAD v4.1: 59 of 1,574,580 alleles (0.0037%); highest among the groups gnomAD compares: Non-Finnish European, 0.0046%; no homozygotes.

Submissions (4):

PreventionGenetics, part of Exact Sciences
Classification: Uncertain significance for RECQL4-related condition. Last evaluated: 2025-10-20. Review status: criteria provided, single submitter. Criteria: ACMG Guidelines, 2015. Collection method: clinical testing. Allele origin: germline.
Comment: The RECQL4 c.2513A>C variant is predicted to result in the amino acid substitution p.Asp838Ala. To our knowledge, this variant has not been reported in the literature or in a large population database (gnomAD), indicating this variant is rare. At this time, the clinical significance of this variant is uncertain due to the absence of conclusive functional and genetic evidence.

Labcorp Genetics (formerly Invitae), Labcorp
Classification: Uncertain significance for Baller-Gerold syndrome. Last evaluated: 2025-07-31. Review status: criteria provided, single submitter. Criteria: Invitae Variant Classification Sherloc (09022015). Collection method: clinical testing. Allele origin: germline.
Comment: This sequence change replaces aspartic acid, which is acidic and polar, with alanine, which is neutral and non-polar, at codon 838 of the RECQL4 protein (p.Asp838Ala). This variant is not present in population databases (gnomAD no frequency). This variant has not been reported in the literature in individuals affected with RECQL4-related conditions. ClinVar contains an entry for this variant (Variation ID: 528923). Invitae Evidence Modeling of protein sequence and biophysical properties (such as structural, functional, and spatial information, amino acid conservation, physicochemical variation, residue mobility, and thermodynamic stability) indicates that this missense variant is expected to disrupt RECQL4 protein function with a positive predictive value of 80%. In summary, the available evidence is currently insufficient to determine the role of this variant in disease. Therefore, it has been classified as a Variant of Uncertain Significance.

GeneDx
Classification: Uncertain significance. Last evaluated: 2025-07-28. Review status: criteria provided, single submitter. Criteria: GeneDx Variant Classification Process June 2021. Collection method: clinical testing. Allele origin: germline. Affected: yes.
Comment: Not observed at significant frequency in large population cohorts (gnomAD); In silico analysis supports that this missense variant has a deleterious effect on protein structure/function; Has not been previously published as pathogenic or benign to our knowledge

Department of Pathology and Laboratory Medicine, Sinai Health System
Classification: Uncertain significance for Baller-Gerold syndrome; Rapadilino syndrome; Rothmund-Thomson syndrome type 2. Last evaluated: 2021-07-30. Review status: criteria provided, single submitter. Criteria: ACMG Guidelines, 2015. Collection method: research. Allele origin: germline.